The following is an entry in ClinVar:

ClinVar aggregate classification (germline): Likely benign. Review status: criteria provided, multiple submitters, no conflicts (2 of 4 stars). 3 submissions from 3 submitters: Likely benign (2). 1 of the submissions does not count toward it. Last evaluated 2024-09-20.

Conditions:
FGA-related disorder. Also called: FGA-related condition; FGA-related disorders.

Allele frequency attached by ClinVar (database versions not stated): ESP Exome Variant Server 0.00023; ExAC 0.00012.

Submissions (3):

Blueprint Genetics
Classification: Likely benign. Last evaluated: 2024-09-20. Review status: criteria provided, single submitter. Criteria: ACMG Guidelines, 2015. Collection method: clinical testing. Allele origin: germline.

Mayo Clinic Laboratories, Mayo Clinic
Classification: Likely benign. Last evaluated: 2024-06-06. Review status: criteria provided, single submitter. Criteria: ACMG Guidelines, 2015. Collection method: clinical testing. Allele origin: germline. Observed: 2 variant alleles.
Comment: BP4, BP7

PreventionGenetics, part of Exact Sciences
Classification: Likely benign for FGA-related condition. Last evaluated: 2023-12-01. Review status: no assertion criteria provided. Collection method: clinical testing. Allele origin: germline. Not counted in ClinVar's aggregate classification.
Comment: This variant is classified as likely benign based on ACMG/AMP sequence variant interpretation guidelines (Richards et al. 2015 PMID: 25741868, with internal and published modifications).

NM_000508.5(FGA):c.1989C>T (p.Cys663=)

Gene: FGA (fibrinogen alpha chain; minus strand). Cytogenetic location: 4q31.3.
Variant type: single nucleotide variant.
Coding change: c.1989C>T on transcript NM_000508.5; coding-DNA position 1989, C replaced by T.
Protein change: p.Cys663=; no amino-acid change (cysteine 663 retained).
Molecular consequence: synonymous variant.
Genome position (GRCh38, 1-based): chr4:154,584,736, G>A on the plus strand (C>T on the coding strand, the complement: FGA is on the minus strand). VCF-style: chr4-154584736-G-A. GRCh37 (hg19) VCF-style: chr4-155505888-G-A.
Other names: p.Cys663=.
Identifiers: ClinVar variation 3051908 (VCV003051908.3), dbSNP rs142544370, ClinGen allele CA3114960.
Genomic context (GRCh38, chr4:154,584,736, plus strand): 5'-CAGTGATCCATCCATTCTTTGCTGGATCAAAAGCCATCCTCCCAAACTGGTCTCTTGATC[G>A]CAATAAACAGAAAAAATCTTACTGGATCCCGGTAGCTTGATATTGAAAATGCCACTTTGG-3'